The following is an entry in ClinVar:

NM_004260.4(RECQL4):c.1204T>A (p.Ser402Thr)

Gene: RECQL4 (RecQ like helicase 4; minus strand). Cytogenetic location: 8q24.3.
Variant type: single nucleotide variant.
Coding change: c.1204T>A on transcript NM_004260.4 (MANE Select); coding-DNA position 1204, T replaced by A.
Protein change: p.Ser402Thr; replaces serine 402 with threonine.
Molecular consequence: missense variant.
Genome position (GRCh38, 1-based): chr8:144,515,818, A>T on the plus strand (T>A on the coding strand, the complement: RECQL4 is on the minus strand). VCF-style: chr8-144515818-A-T. GRCh37 (hg19) VCF-style: chr8-145741202-A-T.
Other names: short protein forms S402T.
Identifiers: ClinVar variation 1395803 (VCV001395803.6), dbSNP rs2130712812, ClinGen allele CA372687519.

ClinVar aggregate classification (germline): Uncertain significance (1 of 4 stars; one submission).

Conditions:
Baller-Gerold syndrome (BGS). Also called: CRANIOSYNOSTOSIS WITH RADIAL DEFECTS. Identifiers: Orphanet 1225, MedGen C0265308, MONDO:0009039, OMIM 218600.

Submission:

Labcorp Genetics (formerly Invitae), Labcorp
Classification: Uncertain significance for Baller-Gerold syndrome. Last evaluated: 2021-11-30. Review status: criteria provided, single submitter. Criteria: Invitae Variant Classification Sherloc (09022015). Collection method: clinical testing. Allele origin: germline.
Comment: This variant has not been reported in the literature in individuals affected with RECQL4-related conditions. Experimental studies and prediction algorithms are not available or were not evaluated, and the functional significance of this variant is currently unknown. In summary, the available evidence is currently insufficient to determine the role of this variant in disease. Therefore, it has been classified as a Variant of Uncertain Significance. This variant is not present in population databases (gnomAD no frequency). This sequence change replaces serine, which is neutral and polar, with threonine, which is neutral and polar, at codon 402 of the RECQL4 protein (p.Ser402Thr).